The following is an entry in ClinVar:

ClinVar aggregate classification (germline): Uncertain significance (1 of 4 stars; one submission).

gnomAD v4.1: 8 of 1,614,148 alleles (0.0005%); highest among the groups gnomAD compares: Non-Finnish European, 0.00068%; no homozygotes.

Submission:

Labcorp Genetics (formerly Invitae), Labcorp
Classification: Uncertain significance. Last evaluated: 2024-10-24. Review status: criteria provided, single submitter. Criteria: Invitae Variant Classification Sherloc (09022015). Collection method: clinical testing. Allele origin: germline.
Comment: This sequence change replaces proline, which is neutral and non-polar, with threonine, which is neutral and polar, at codon 1236 of the NALCN protein (p.Pro1236Thr). This variant is not present in population databases (gnomAD no frequency). This variant has not been reported in the literature in individuals affected with NALCN-related conditions. Invitae Evidence Modeling of protein sequence and biophysical properties (such as structural, functional, and spatial information, amino acid conservation, physicochemical variation, residue mobility, and thermodynamic stability) indicates that this missense variant is not expected to disrupt NALCN protein function with a negative predictive value of 80%. In summary, the available evidence is currently insufficient to determine the role of this variant in disease. Therefore, it has been classified as a Variant of Uncertain Significance.

NM_052867.4(NALCN):c.3706C>A (p.Pro1236Thr)

Gene: NALCN (sodium leak channel, non-selective; minus strand). Cytogenetic location: 13q32.3.
Variant type: single nucleotide variant.
Coding change: c.3706C>A on transcript NM_052867.4 (MANE Select); coding-DNA position 3706, C replaced by A.
Protein change: p.Pro1236Thr; replaces proline 1236 with threonine.
Molecular consequence: missense variant.
Genome position (GRCh38, 1-based): chr13:101,082,868, G>T on the plus strand (C>A on the coding strand, the complement: NALCN is on the minus strand). VCF-style: chr13-101082868-G-T. GRCh37 (hg19) VCF-style: chr13-101735219-G-T.
Other names: c.3793C>A, p.Pro1265Thr (NM_001350748.2); c.3706C>A, p.Pro1236Thr (NM_001350749.2); c.3619C>A, p.Pro1207Thr (NM_001350750.2, NM_001350751.2); short protein forms P1236T, P1207T, P1265T.
Identifiers: ClinVar variation 2692885 (VCV002692885.3), dbSNP rs2139514331, ClinGen allele CA388651151.
Genomic context (GRCh38, chr13:101,082,868, plus strand): 5'-CCTCCAGAACAAAGATGAAGGTGAAAACAACTGACATTGTTGCCAAAGGTACGGTCACCG[G>T]GTCCTCGACGTCCCACTGCAACAGAAACAGCACACGAGTCGTTGCCCACGTCCATCGGAC-3'
Protein context (NP_443099.1, residues 1226-1246): LLSVKWDVED[Pro1236Thr]VTVPLATMSV